The following is an entry in ClinVar:

NM_000057.4(BLM):c.1594G>T (p.Asp532Tyr)

Gene: BLM (BLM RecQ like helicase; plus strand). Cytogenetic location: 15q26.1.
Variant type: single nucleotide variant.
Coding change: c.1594G>T on transcript NM_000057.4 (MANE Select); coding-DNA position 1594, G replaced by T.
Protein change: p.Asp532Tyr; replaces aspartic acid 532 with tyrosine.
Molecular consequence: missense variant.
Genome position (GRCh38, 1-based): chr15:90,760,967, G>T. VCF-style: chr15-90760967-G-T. GRCh37 (hg19) VCF-style: chr15-91304197-G-T.
Other names: c.1594G>T, p.Asp532Tyr (NM_001287246.2, NM_001287247.2); c.469G>T, p.Asp157Tyr (NM_001287248.2); short protein forms D532Y, D157Y.
Identifiers: ClinVar variation 2586888 (VCV002586888.4), dbSNP rs753723424, ClinGen allele CA393843401.

ClinVar aggregate classification (germline): Uncertain significance. Review status: criteria provided, multiple submitters, no conflicts (2 of 4 stars). 2 submissions from 2 submitters: Uncertain significance (2). Last evaluated 2025-08-23.

Conditions:
Hereditary cancer-predisposing syndrome. Also called: Hereditary neoplastic syndrome; Tumor predisposition; Hereditary Cancer Syndrome; Neoplastic Syndromes, Hereditary. Identifiers: Orphanet 140162, MedGen C0027672, MeSH D009386, MONDO:0015356.
Bloom syndrome (BLM). Also called: Bloom-Torre-Machacek syndrome. Identifiers: Orphanet 125, MedGen C0005859, MONDO:0008876, OMIM 210900.

Submissions (2):

Ambry Genetics
Classification: Uncertain significance for Hereditary cancer-predisposing syndrome. Last evaluated: 2025-08-23. Review status: criteria provided, single submitter. Criteria: Ambry Variant Classification Scheme 2023. Collection method: clinical testing. Allele origin: germline.
Comment: The p.D532Y variant (also known as c.1594G>T), located in coding exon 6 of the BLM gene, results from a G to T substitution at nucleotide position 1594. The aspartic acid at codon 532 is replaced by tyrosine, an amino acid with highly dissimilar properties. This amino acid position is conserved. In addition, this alteration is predicted to be tolerated by in silico analysis. Since supporting evidence is limited at this time, the clinical significance of this alteration remains unclear.

Labcorp Genetics (formerly Invitae), Labcorp
Classification: Uncertain significance for Bloom syndrome. Last evaluated: 2025-06-11. Review status: criteria provided, single submitter. Criteria: Invitae Variant Classification Sherloc (09022015). Collection method: clinical testing. Allele origin: germline.
Comment: This sequence change replaces aspartic acid, which is acidic and polar, with tyrosine, which is neutral and polar, at codon 532 of the BLM protein (p.Asp532Tyr). This variant is not present in population databases (gnomAD no frequency). This variant has not been reported in the literature in individuals affected with BLM-related conditions. ClinVar contains an entry for this variant (Variation ID: 2586888). Invitae Evidence Modeling of protein sequence and biophysical properties (such as structural, functional, and spatial information, amino acid conservation, physicochemical variation, residue mobility, and thermodynamic stability) indicates that this missense variant is not expected to disrupt BLM protein function with a negative predictive value of 80%. In summary, the available evidence is currently insufficient to determine the role of this variant in disease. Therefore, it has been classified as a Variant of Uncertain Significance.